The following is an entry in ClinVar:

NM_001291867.2(NHS):c.1160A>G (p.Gln387Arg)

Gene: NHS (NHS actin remodeling regulator; plus strand). Cytogenetic location: Xp22.13.
Variant type: single nucleotide variant.
Coding change: c.1160A>G on transcript NM_001291867.2 (MANE Select); coding-DNA position 1160, A replaced by G.
Protein change: p.Gln387Arg; replaces glutamine 387 with arginine.
Molecular consequence: missense variant.
Genome position (GRCh38, 1-based): chrX:17,724,350, A>G. VCF-style: chrX-17724350-A-G. GRCh37 (hg19) VCF-style: chrX-17742470-A-G.
Other names: c.629A>G, p.Gln210Arg (NM_001136024.4); c.566A>G, p.Gln189Arg (NM_001291868.2); c.1097A>G, p.Gln366Arg (NM_198270.4); short protein forms Q189R, Q210R, Q387R, Q366R.
Identifiers: ClinVar variation 1410322 (VCV001410322.6), dbSNP rs2147140956, ClinGen allele CA412349893.

ClinVar aggregate classification (germline): Uncertain significance (1 of 4 stars; one submission).

Conditions:
Nance-Horan syndrome (NHS). Identifiers: Orphanet 627, MedGen C0796085, MONDO:0010545, OMIM 302350.

Submission:

Labcorp Genetics (formerly Invitae), Labcorp
Classification: Uncertain significance for Nance-Horan syndrome. Last evaluated: 2021-08-09. Review status: criteria provided, single submitter. Criteria: Invitae Variant Classification Sherloc (09022015). Collection method: clinical testing. Allele origin: germline.
Comment: This sequence change replaces glutamine with arginine at codon 366 of the NHS protein (p.Gln366Arg). The glutamine residue is highly conserved and there is a small physicochemical difference between glutamine and arginine. In summary, the available evidence is currently insufficient to determine the role of this variant in disease. Therefore, it has been classified as a Variant of Uncertain Significance. Algorithms developed to predict the effect of missense changes on protein structure and function (SIFT, PolyPhen-2, Align-GVGD) all suggest that this variant is likely to be disruptive. This variant has not been reported in the literature in individuals affected with NHS-related conditions. This variant is not present in population databases (ExAC no frequency).